The following is an entry in ClinVar:

ClinVar aggregate classification (germline): Conflicting classifications of pathogenicity. Review status: criteria provided, conflicting classifications (1 of 4 stars). 3 submissions from 3 submitters: Uncertain significance (2); Likely benign (1). Last evaluated 2025-11-25.

Conditions:
Koolen-de Vries syndrome (KDVS). Identifiers: Orphanet 96169, MedGen C1864871, MONDO:0012496, OMIM 610443.

Allele frequency attached by ClinVar (database versions not stated): gnomAD exomes 0.00001 and 0.00004; TOPMed 0.00001; ExAC 0.00005.
gnomAD v4.1: 21 of 1,614,166 alleles (0.0013%); highest among the groups gnomAD compares: Admixed American, 0.01%; no homozygotes.

Submissions (3):

Labcorp Genetics (formerly Invitae), Labcorp
Classification: Uncertain significance for Koolen-de Vries syndrome. Last evaluated: 2025-11-25. Review status: criteria provided, single submitter. Criteria: Invitae Variant Classification Sherloc (09022015). Collection method: clinical testing. Allele origin: germline.
Comment: This sequence change replaces arginine, which is basic and polar, with histidine, which is basic and polar, at codon 1019 of the KANSL1 protein (p.Arg1019His). This variant is present in population databases (rs781056926, gnomAD 0.02%). This missense change has been observed in individual(s) with neurodevelopmental disorders (PMID: 33004838). ClinVar contains an entry for this variant (Variation ID: 205800). Invitae Evidence Modeling of protein sequence and biophysical properties (such as structural, functional, and spatial information, amino acid conservation, physicochemical variation, residue mobility, and thermodynamic stability) has been performed for this missense variant. However, the output from this modeling did not meet the statistical confidence thresholds required to predict the impact of this variant on KANSL1 protein function. In summary, the available evidence is currently insufficient to determine the role of this variant in disease. Therefore, it has been classified as a Variant of Uncertain Significance.

GeneDx
Classification: Likely benign. Last evaluated: 2020-03-03. Review status: criteria provided, single submitter. Criteria: GeneDx Variant Classification Process June 2021. Collection method: clinical testing. Allele origin: germline. Affected: yes.

Fulgent Genetics
Classification: Uncertain significance for Koolen-de Vries syndrome. Last evaluated: 2018-10-31. Review status: criteria provided, single submitter. Criteria: ACMG Guidelines, 2015. Collection method: clinical testing. Allele origin: unknown.

Literature cited by the submitters: PubMed 33004838 (cited by Labcorp Genetics (formerly Invitae), Labcorp).

NM_015443.4(KANSL1):c.3056G>A (p.Arg1019His)

Gene: KANSL1 (KAT8 regulatory NSL complex subunit 1). Cytogenetic location: 17q21.31.
Variant type: single nucleotide variant.
Coding change: c.3056G>A on transcript NM_015443.4 (MANE Select); coding-DNA position 3056, G replaced by A.
Protein change: p.Arg1019His; replaces arginine 1019 with histidine.
Molecular consequence: missense variant.
Genome position (GRCh38, 1-based): chr17:46,032,081, C>T on the plus strand (G>A on the coding strand, the complement: KANSL1 is on the minus strand). VCF-style: chr17-46032081-C-T. GRCh37 (hg19) VCF-style: chr17-44109447-C-T.
Other names: p.R1019H:CGT>CAT; c.3053G>A, p.Arg1018His (NM_001193465.2); c.3056G>A, p.Arg1019His (NM_001193466.2, NM_001379198.1); short protein forms R1019H, R1018H.
Identifiers: ClinVar variation 205800 (VCV000205800.14), dbSNP rs781056926, ClinGen allele CA315227.